The following is an entry in ClinVar:

NM_001231.5(CASQ1):c.941C>G (p.Pro314Arg)

Gene: CASQ1 (calsequestrin 1; plus strand). Cytogenetic location: 1q23.2.
Variant type: single nucleotide variant.
Coding change: c.941C>G on transcript NM_001231.5 (MANE Select); coding-DNA position 941, C replaced by G.
Protein change: p.Pro314Arg; replaces proline 314 with arginine.
Molecular consequence: missense variant.
Genome position (GRCh38, 1-based): chr1:160,199,010, C>G. VCF-style: chr1-160199010-C-G. GRCh37 (hg19) VCF-style: chr1-160168800-C-G.
Other names: short protein forms P314R.
Identifiers: ClinVar variation 2621880 (VCV002621880.5), dbSNP rs201490871, ClinGen allele CA1196402.
Genomic context (GRCh38, chr1:160,199,010, plus strand): 5'-AAGATGGTTTCGAGTTCTTAGAGACTCTCAAGGCTGTGGCCCAAGATAACACTGAAAACC[C>G]AGATCTTAGCATCATCTGGATTGACCCTGATGACTTCCCCCTGGTAAGAGGCACAGCTCA-3'
Protein context (NP_001222.3, residues 304-324): KAVAQDNTEN[Pro314Arg]DLSIIWIDPD

ClinVar aggregate classification (germline): Uncertain significance. Review status: criteria provided, multiple submitters, no conflicts (2 of 4 stars). 2 submissions from 2 submitters: Uncertain significance (2). Last evaluated 2025-10-02.

Conditions:
Inborn genetic diseases. Identifiers: MedGen C0950123, MeSH D030342.

Allele frequency attached by ClinVar (database versions not stated): ExAC 0.00002; gnomAD exomes below 0.00001.
gnomAD v4.1: 5 of 1,613,344 alleles (0.00031%); highest among the groups gnomAD compares: Non-Finnish European, 0.00025%; no homozygotes.

Submissions (2):

Labcorp Genetics (formerly Invitae), Labcorp
Classification: Uncertain significance. Last evaluated: 2025-10-02. Review status: criteria provided, single submitter. Criteria: Invitae Variant Classification Sherloc (09022015). Collection method: clinical testing. Allele origin: germline.
Comment: This sequence change replaces proline, which is neutral and non-polar, with arginine, which is basic and polar, at codon 314 of the CASQ1 protein (p.Pro314Arg). This variant is present in population databases (rs201490871, gnomAD 0.002%). This variant has not been reported in the literature in individuals affected with CASQ1-related conditions. ClinVar contains an entry for this variant (Variation ID: 2621880). An algorithm developed to predict the effect of missense changes on protein structure and function (PolyPhen-2) suggests that this variant is likely to be disruptive. In summary, the available evidence is currently insufficient to determine the role of this variant in disease. Therefore, it has been classified as a Variant of Uncertain Significance.

Ambry Genetics
Classification: Uncertain significance for Inborn genetic diseases. Last evaluated: 2023-08-28. Review status: criteria provided, single submitter. Criteria: Ambry Variant Classification Scheme 2023. Collection method: clinical testing. Allele origin: germline.